The following is an entry in ClinVar:

ClinVar aggregate classification (germline): not provided (0 of 4 stars; one submission).

Conditions:
Uterine leiomyoma (UL). Also called: Uterine corpus leiomyoma. Identifiers: MedGen C0042133, MONDO:0007886, OMIM 150699, HP:0000131.

Submission:

Rajkovic Lab, University of Pittsburgh
No classification provided. Condition: Leiomyoma, uterine. Review status: no classification provided. Collection method: not provided. Allele origin: somatic.
ClinVar note: Converted during submission from Associated with leiomyomas to not provided.

NM_005120.3(MED12):c.123_152del (p.Lys42_Val51del)

Gene: MED12 (mediator complex subunit 12; plus strand). Cytogenetic location: Xq13.1.
Variant type: Deletion.
Coding change: c.123_152del on transcript NM_005120.3 (MANE Select); coding-DNA positions 123 to 152, 30 bases deleted (AAAACAAGGTTTCAATAACCAGCCTGCTGT).
Protein change: p.Lys42_Val51del.
Molecular consequence: inframe deletion.
Genome position (GRCh38, 1-based): chrX:71,119,396-71,119,425, AAAACAAGGTTTCAATAACCAGCCTGCTGT deleted; deleting any 30 consecutive bases within chrX:71,119,393-71,119,425 gives the same sequence; the c. name uses the placement nearest the transcript's 3' end. VCF-style (leftmost placement, unchanged base first): chrX-71119392-ATGTAAAACAAGGTTTCAATAACCAGCCTGC-A. GRCh37 (hg19) VCF-style: chrX-70339242-ATGTAAAACAAGGTTTCAATAACCAGCCTGC-A.
Identifiers: ClinVar variation 92211 (VCV000092211.2), dbSNP rs199469688, ClinGen allele CA145551.